The following is an entry in ClinVar:

NM_152383.5(DIS3L2):c.1775C>T (p.Ala592Val)

Gene: DIS3L2 (DIS3 like 3'-5' exoribonuclease 2; plus strand). Cytogenetic location: 2q37.1.
Variant type: single nucleotide variant.
Coding change: c.1775C>T on transcript NM_152383.5 (MANE Select); coding-DNA position 1775, C replaced by T.
Protein change: p.Ala592Val; replaces alanine 592 with valine.
Molecular consequence: missense variant. On other transcripts: intron variant (1).
Genome position (GRCh38, 1-based): chr2:232,329,848, C>T. VCF-style: chr2-232329848-C-T. GRCh37 (hg19) VCF-style: chr2-233194558-C-T.
Other names: c.1582-13497C>T (NM_001257281.2); short protein forms A592V.
Identifiers: ClinVar variation 463074 (VCV000463074.9), dbSNP rs753955550, ClinGen allele CA2164266.

ClinVar aggregate classification (germline): Uncertain significance (1 of 4 stars; one submission).

Conditions:
Perlman syndrome (PRLMNS). Identifiers: Orphanet 2849, MedGen C0796113, MONDO:0009965, OMIM 267000.

Allele frequency attached by ClinVar (database versions not stated): TOPMed below 0.00001; ExAC 0.00001; gnomAD 0.00001; gnomAD exomes 0.00001.
gnomAD v4.1: 22 of 1,393,208 alleles (0.0016%); highest among the groups gnomAD compares: Middle Eastern, 0.061%; no homozygotes.

Submission:

Labcorp Genetics (formerly Invitae), Labcorp
Classification: Uncertain significance for Perlman syndrome. Last evaluated: 2025-12-09. Review status: criteria provided, single submitter. Criteria: Invitae Variant Classification Sherloc (09022015). Collection method: clinical testing. Allele origin: germline.
Comment: This sequence change replaces alanine, which is neutral and non-polar, with valine, which is neutral and non-polar, at codon 592 of the DIS3L2 protein (p.Ala592Val). The frequency data for this variant in the population databases is considered unreliable, as metrics indicate poor data quality at this position in the gnomAD database. This variant has not been reported in the literature in individuals affected with DIS3L2-related conditions. ClinVar contains an entry for this variant (Variation ID: 463074). Invitae Evidence Modeling of protein sequence and biophysical properties (such as structural, functional, and spatial information, amino acid conservation, physicochemical variation, residue mobility, and thermodynamic stability) has been performed for this missense variant. However, the output from this modeling did not meet the statistical confidence thresholds required to predict the impact of this variant on DIS3L2 protein function. RNA analysis performed to evaluate the impact of this missense change on mRNA splicing indicates it does not significantly alter splicing (internal data). In summary, the available evidence is currently insufficient to determine the role of this variant in disease. Therefore, it has been classified as a Variant of Uncertain Significance.